The following is an entry in ClinVar:

ClinVar aggregate classification (germline): Uncertain significance (1 of 4 stars; one submission).

Conditions:
Retinitis pigmentosa 93. Identifiers: MedGen C5676970, MONDO:0030797, OMIM 619845.
COACH syndrome 2. Identifiers: MedGen C5436837, MONDO:0030859, OMIM 619111.
Joubert syndrome 9 (JBTS9). Identifiers: Orphanet 2318, MedGen C2676788, MONDO:0012849, OMIM 612285.
Meckel syndrome, type 6. Identifiers: Orphanet 564, MedGen C2676790, MONDO:0012848, OMIM 612284.

gnomAD v4.1: 1 of 1,551,488 alleles (0.000064%); highest among the groups gnomAD compares: East Asian, 0.0024%; no homozygotes.

Submission:

Juno Genomics, Hangzhou Juno Genomics, Inc
Classification: Uncertain significance for COACH syndrome 2; Joubert syndrome 9; Meckel syndrome, type 6; Retinitis pigmentosa 93. Review status: criteria provided, single submitter. Criteria: ACMG Guidelines, 2015. Collection method: clinical testing. Allele origin: germline.
Comment: Absent from controls (or at extremely low frequency if recessive) in Genome Aggregation Database.

NM_001378615.1(CC2D2A):c.3683C>A (p.Ser1228Tyr)

Genes: CC2D2A (coiled-coil and C2 domain containing 2A; plus strand), FBXL5 (F-box and leucine rich repeat protein 5; minus strand). Cytogenetic location: 4p15.32.
Variant type: single nucleotide variant.
Coding change: c.3683C>A on transcript NM_001378615.1 (MANE Select); coding-DNA position 3683, C replaced by A.
Protein change: p.Ser1228Tyr; replaces serine 1228 with tyrosine.
Molecular consequence: missense variant.
Genome position (GRCh38, 1-based): chr4:15,574,238, C>A. VCF-style: chr4-15574238-C-A. GRCh37 (hg19) VCF-style: chr4-15575861-C-A.
Other names: c.3683C>A, p.Ser1228Tyr (NM_001080522.2); c.3536C>A, p.Ser1179Tyr (NM_001378617.1); short protein forms S1179Y, S1228Y.
Identifiers: ClinVar variation 5006744 (VCV005006744.2).